The following is an entry in ClinVar:

NM_000540.3(RYR1):c.2338G>T (p.Val780Phe)

Gene: RYR1 (ryanodine receptor 1; plus strand). Cytogenetic location: 19q13.2.
Variant type: single nucleotide variant.
Coding change: c.2338G>T on transcript NM_000540.3 (MANE Select); coding-DNA position 2338, G replaced by T.
Protein change: p.Val780Phe; replaces valine 780 with phenylalanine.
Molecular consequence: missense variant.
Genome position (GRCh38, 1-based): chr19:38,459,316, G>T. VCF-style: chr19-38459316-G-T. GRCh37 (hg19) VCF-style: chr19-38949956-G-T.
Other names: c.2338G>T, p.Val780Phe (NM_001042723.2); short protein forms V780F.
Identifiers: ClinVar variation 4883611 (VCV004883611.2).
Genomic context (GRCh38, chr19:38,459,316, plus strand): 5'-GGCTGCCCCGTGCAGGGTGTCTTTGAGTCCTTCAACCTGGACGGGCTCTTCTTCCCTGTT[G>T]TCAGCTTCTCGGCTGGTGTCAAGTGAGAACTTGCCCCCACCCCACGGCCAGTCCTCAGAC-3'
Protein context (NP_000531.2, residues 770-790): FNLDGLFFPV[Val780Phe]SFSAGVKVRF

ClinVar aggregate classification (germline): Uncertain significance (1 of 4 stars; one submission).

Submission:

Dasa
Classification: Uncertain significance. Last evaluated: 2026-02-17. Review status: criteria provided, single submitter. Criteria: DASA Assertion Criteria. Collection method: clinical testing. Allele origin: germline.
Comment: NM_000540.3(RYR1):c.2338G>T (p.Val780Phe) is a missense variant that results in the substitution of valine with phenylalanine. This variant is absent from population databases. Computational prediction algorithms are consistent with a deleterious effect. The currently available literature and clinical evidence are not sufficient to establish a definitive association between this variant and the reported condition. Therefore, this variant is classified as a variant of uncertain significance.